The following is an entry in ClinVar:

ClinVar aggregate classification (germline): Conflicting classifications of pathogenicity. Review status: criteria provided, conflicting classifications (1 of 4 stars). 5 submissions from 5 submitters: Pathogenic (1); Likely pathogenic (3); Uncertain significance (1). Last evaluated 2025-10-20.

Conditions:
RAG1-related disorder. Also called: RAG1-related condition; RAG1-related disorders.
Severe combined immunodeficiency, autosomal recessive, T cell-negative, B cell-negative, NK cell-positive. Also called: SCID, T CELL-NEGATIVE, B CELL-NEGATIVE, NK CELL-POSITIVE; SCID, AR, T-cell negative, B-cell negative, NK cell-positive; Severe combined immunodeficiency due to complete RAG1/2 deficiency. Identifiers: Orphanet 331206, MedGen C1832322, MONDO:0011086, OMIM 601457.
Combined immunodeficiency with skin granulomas. Identifiers: Orphanet 157949, MedGen C2673536, MONDO:0009306, OMIM 233650.
Combined immunodeficiency due to partial RAG1 deficiency. Identifiers: Orphanet 231154, MedGen C1835931, MONDO:0012359, OMIM 609889.
Histiocytic medullary reticulosis. Also called: SEVERE COMBINED IMMUNODEFICIENCY WITH HYPEREOSINOPHILIA; Omenn syndrome. Identifiers: Orphanet 39041, MedGen C2700553, MONDO:0011338, OMIM 603554.
Severe combined immunodeficiency disease. Also called: Severe Combined Immune Deficiency; Severe combined immunodeficiency. Identifiers: Orphanet 183660, MedGen C0085110, MeSH D016511, MONDO:0015974, HP:0004430. Inheritance: X-Linked or Autosomal recessive.

Allele frequency attached by ClinVar (database versions not stated): gnomAD exomes below 0.00001 and 0.00001; ExAC 0.00001.
gnomAD v4.1: 9 of 1,614,230 alleles (0.00056%); highest among the groups gnomAD compares: Non-Finnish European, 0.00076%; no homozygotes.

Submissions (5):

3billion
Classification: Pathogenic for RAG1-related disorder. Last evaluated: 2025-10-20. Review status: criteria provided, single submitter. Criteria: ACMG Guidelines, 2015. Collection method: clinical testing. Allele origin: germline. Affected: yes.
Comment: The variant is observed at an extremely low frequency in the gnomAD v4.1.0 dataset (total allele frequency: <0.001%). Predicted Consequence/Location: Missense variant Functional studies provide strong evidence of the variant having a damaging effect on the gene or gene product (PMID: 24331380, 36279417). In silico tool predictions suggest damaging effect of the variant on gene or gene product [REVEL: 0.86 (>=0.6, sensitivity 0.68 and specificity 0.92); 3Cnet: 0.99 (> 0.75, sensitivity 0.96 and precision 0.92)]. The same nucleotide change resulting in the same amino acid change has been previously reported as pathogenic/likely pathogenic with strong evidence (ClinVar ID: VCV000191017 /PMID: 24331380). The variant has been reported to be in trans with a pathogenic variant as either compound heterozygous or homozygous in at least one similarly affected unrelated individual (PMID: 24331380). The variant has been reported to co-segregate with the disease in at least one similarly affected relative/individual in the same family or similarly affected unrelated families (PMID: 24331380). Therefore, this variant is classified as Pathogenic according to the recommendation of ACMG/AMP guideline.

Fulgent Genetics
Classification: Likely pathogenic for Combined immunodeficiency with skin granulomas; Severe combined immunodeficiency, autosomal recessive, T cell-negative, B cell-negative, NK cell-positive; Histiocytic medullary reticulosis; Combined immunodeficiency due to partial RAG1 deficiency. Last evaluated: 2024-02-29. Review status: criteria provided, single submitter. Criteria: ACMG Guidelines, 2015. Collection method: clinical testing. Allele origin: germline.

Women's Health and Genetics/Laboratory Corporation of America, LabCorp
Classification: Likely pathogenic for Severe combined immunodeficiency disease. Last evaluated: 2024-02-28. Review status: criteria provided, single submitter. Criteria: LabCorp Variant Classification Summary - May 2015. Collection method: clinical testing. Allele origin: germline.
Comment: Variant summary: RAG1 c.1438A>G (p.Ser480Gly) results in a non-conservative amino acid change in the encoded protein sequence. Four of four in-silico tools predict a damaging effect of the variant on protein function. The variant allele was found at a frequency of 4e-06 in 251122 control chromosomes. c.1438A>G has been reported in the literature at a homozygous state in at-least two individuals affected with Severe Combined Immunodeficiency (Monies_2019, Schuetz_2023, Schuetz_2014). These data indicate that the variant is likely to be associated with disease. At least one publication reports experimental evidence evaluating an impact on protein function. The most pronounced variant effect results in about 55% of normal V(D)J recombination activity in human primary dermal fibroblasts (Schuetz_2023, Schuetz_2014). The following publications have been ascertained in the context of this evaluation (PMID: 31130284, 36279417, 24331380). ClinVar contains an entry for this variant (Variation ID: 191017). Based on the evidence outlined above, the variant was classified as likely pathogenic.

Labcorp Genetics (formerly Invitae), Labcorp
Classification: Uncertain significance for Combined immunodeficiency with skin granulomas; Severe combined immunodeficiency, autosomal recessive, T cell-negative, B cell-negative, NK cell-positive. Last evaluated: 2021-08-19. Review status: criteria provided, single submitter. Criteria: Invitae Variant Classification Sherloc (09022015). Collection method: clinical testing. Allele origin: germline.
Comment: ClinVar contains an entry for this variant (Variation ID: 191017). This variant has been observed in individual(s) with clinical features of RAG1-related conditions (PMID: 24331380, 31130284). This variant is present in population databases (rs772340017, ExAC 0.001%). This sequence change replaces serine with glycine at codon 480 of the RAG1 protein (p.Ser480Gly). The serine residue is highly conserved and there is a small physicochemical difference between serine and glycine. In summary, the available evidence is currently insufficient to determine the role of this variant in disease. Therefore, it has been classified as a Variant of Uncertain Significance. Advanced modeling of protein sequence and biophysical properties (such as structural, functional, and spatial information, amino acid conservation, physicochemical variation, residue mobility, and thermodynamic stability) performed at Invitae indicates that this missense variant is expected to disrupt RAG1 protein function.

Genomic Medicine Center of Excellence, King Faisal Specialist Hospital and Research Centre
Classification: Likely pathogenic. Review status: criteria provided, single submitter. Criteria: ACMG Guidelines, 2015. Collection method: research. Allele origin: germline. Affected: yes.

Literature cited by the submitters: PubMed 36279417 (cited by 3billion and Women's Health and Genetics/Laboratory Corporation of America, LabCorp); PubMed 24331380 (cited by 3 submitters); PubMed 31130284 (cited by Women's Health and Genetics/Laboratory Corporation of America, LabCorp and Labcorp Genetics (formerly Invitae), Labcorp).

NM_000448.3(RAG1):c.1438A>G (p.Ser480Gly)

Gene: RAG1 (recombination activating 1; plus strand). Cytogenetic location: 11p12.
Variant type: single nucleotide variant.
Coding change: c.1438A>G on transcript NM_000448.3 (MANE Select); coding-DNA position 1438, A replaced by G.
Protein change: p.Ser480Gly; replaces serine 480 with glycine.
Molecular consequence: missense variant.
Genome position (GRCh38, 1-based): chr11:36,574,742, A>G. VCF-style: chr11-36574742-A-G. GRCh37 (hg19) VCF-style: chr11-36596292-A-G.
Other names: c.1438A>G, p.Ser480Gly (NM_001377277.1, NM_001377278.1, NM_001377279.1 and 1 more transcripts); short protein forms S480G.
Identifiers: ClinVar variation 191017 (VCV000191017.13), dbSNP rs772340017, ClinGen allele CA235827.